The following is an entry in ClinVar:

NM_015021.3(ZNF292):c.5374_5378del (p.Asn1792fs)

Gene: ZNF292 (zinc finger protein 292; plus strand). Cytogenetic location: 6q14.3.
Variant type: Deletion.
Coding change: c.5374_5378del on transcript NM_015021.3 (MANE Select); coding-DNA positions 5374 to 5378, 5 bases deleted (AACAT; older notation c.5374_5378delAACAT).
Protein change: p.Asn1792fs; shifts the reading frame from asparagine 1792.
Molecular consequence: frameshift variant.
Genome position (GRCh38, 1-based): chr6:87,259,003-87,259,007, AACAT deleted; deleting any 5 consecutive bases within chr6:87,259,001-87,259,007 gives the same sequence; the c. name uses the placement nearest the transcript's 3' end. VCF-style (leftmost placement, unchanged base first): chr6-87259000-TATAAC-T. GRCh37 (hg19) VCF-style: chr6-87968718-TATAAC-T.
Other names: c.5374_5378del (NM_015021.1); c.4954_4958del, p.Asn1652fs (NM_001351444.2); short protein forms N1652fs, N1792fs.
Identifiers: ClinVar variation 982204 (VCV000982204.2), dbSNP rs1775403177, ClinGen allele CA1139659731.

ClinVar aggregate classification (germline): Pathogenic. Review status: criteria provided, single submitter (1 of 4 stars). 2 submissions from 2 submitters: Pathogenic (1). 1 of the submissions does not count toward it. Last evaluated 2025-02-13.

Conditions:
Neurodevelopmental disorder. Identifiers: MedGen C1535926, MeSH D065886, MONDO:0700092.

Submissions (2):

GeneDx
Classification: Pathogenic. Last evaluated: 2025-02-13. Review status: criteria provided, single submitter. Criteria: GeneDx Variant Classification Process June 2021. Collection method: clinical testing. Allele origin: germline. Affected: yes.
Comment: Frameshift variant predicted to result in protein truncation, as the last 392 amino acids are replaced with 10 different amino acids, and other loss-of-function variants have been reported downstream in the Human Gene Mutation Database (HGMD); Not observed at significant frequency in large population cohorts (gnomAD); This variant is associated with the following publications: (PMID: 35982159, 33057194)

University of Washington Center for Mendelian Genomics, University of Washington
Classification: Uncertain significance for Neurodevelopmental disorder. Review status: no assertion criteria provided. Collection method: research. Allele origin: unknown. Affected: yes. Not counted in ClinVar's aggregate classification.

Literature cited by the submitters: PubMed 31723249 (cited by University of Washington Center for Mendelian Genomics, University of Washington).